The following is an entry in ClinVar:

NM_005995.5(TBX10):c.858C>T (p.Asp286=)

Gene: TBX10 (T-box transcription factor 10; minus strand). Cytogenetic location: 11q13.2.
Variant type: single nucleotide variant.
Coding change: c.858C>T on transcript NM_005995.5 (MANE Select); coding-DNA position 858, C replaced by T.
Protein change: p.Asp286=; no amino-acid change (aspartic acid 286 retained).
Molecular consequence: synonymous variant.
Genome position (GRCh38, 1-based): chr11:67,632,328, G>A on the plus strand (C>T on the coding strand, the complement: TBX10 is on the minus strand). VCF-style: chr11-67632328-G-A. GRCh37 (hg19) VCF-style: chr11-67399799-G-A.
Identifiers: ClinVar variation 3040657 (VCV003040657.2), dbSNP rs200673151, ClinGen allele CA6143833.

ClinVar aggregate classification (germline): Likely benign (0 of 4 stars; one submission).

Conditions:
TBX10-related disorder. Also called: TBX10-related condition.

Allele frequency attached by ClinVar (database versions not stated): gnomAD exomes 0.00014; gnomAD 0.00021; TOPMed 0.00026; ExAC 0.00044; 1000 Genomes Project 30x 0.00047; 1000 Genomes Project 0.00060.
gnomAD v4.1: 237 of 1,613,366 alleles (0.015%); highest among the groups gnomAD compares: East Asian, 0.46%; no homozygotes.

Submission:

PreventionGenetics, part of Exact Sciences
Classification: Likely benign for TBX10-related condition. Last evaluated: 2019-09-20. Review status: no assertion criteria provided. Collection method: clinical testing. Allele origin: germline.
Comment: This variant is classified as likely benign based on ACMG/AMP sequence variant interpretation guidelines (Richards et al. 2015 PMID: 25741868, with internal and published modifications).